The following is an entry in ClinVar:

ClinVar aggregate classification (germline): Uncertain significance. Review status: criteria provided, multiple submitters, no conflicts (2 of 4 stars). 2 submissions from 2 submitters: Uncertain significance (2). Last evaluated 2025-01-02.

Conditions:
Tuberous sclerosis 2 (TSC2). Identifiers: Orphanet 805, MedGen C1860707, MONDO:0013199, OMIM 613254.
Hereditary cancer-predisposing syndrome. Also called: Neoplastic Syndromes, Hereditary; Hereditary Cancer Syndrome; Tumor predisposition; Hereditary neoplastic syndrome. Identifiers: Orphanet 140162, MedGen C0027672, MeSH D009386, MONDO:0015356.

Submissions (2):

Labcorp Genetics (formerly Invitae), Labcorp
Classification: Uncertain significance for Tuberous sclerosis 2. Last evaluated: 2025-01-02. Review status: criteria provided, single submitter. Criteria: Invitae Variant Classification Sherloc (09022015). Collection method: clinical testing. Allele origin: germline.
Comment: This sequence change replaces serine, which is neutral and polar, with alanine, which is neutral and non-polar, at codon 1281 of the TSC2 protein (p.Ser1281Ala). This variant is not present in population databases (gnomAD no frequency). This variant has not been reported in the literature in individuals affected with TSC2-related conditions. ClinVar contains an entry for this variant (Variation ID: 583139). Invitae Evidence Modeling of protein sequence and biophysical properties (such as structural, functional, and spatial information, amino acid conservation, physicochemical variation, residue mobility, and thermodynamic stability) indicates that this missense variant is not expected to disrupt TSC2 protein function with a negative predictive value of 95%. In summary, the available evidence is currently insufficient to determine the role of this variant in disease. Therefore, it has been classified as a Variant of Uncertain Significance.

Ambry Genetics
Classification: Uncertain significance for Hereditary cancer-predisposing syndrome. Last evaluated: 2024-08-04. Review status: criteria provided, single submitter. Criteria: Ambry Variant Classification Scheme 2023. Collection method: clinical testing. Allele origin: germline.
Comment: The p.S1281A variant (also known as c.3841T>G), located in coding exon 31 of the TSC2 gene, results from a T to G substitution at nucleotide position 3841. The serine at codon 1281 is replaced by alanine, an amino acid with similar properties. This amino acid position is conserved. In addition, the in silico prediction for this alteration is inconclusive. Based on the available evidence, the clinical significance of this variant remains unclear.

NM_000548.5(TSC2):c.3841T>G (p.Ser1281Ala)

Gene: TSC2 (TSC complex subunit 2; plus strand). Cytogenetic location: 16p13.3.
Variant type: single nucleotide variant.
Coding change: c.3841T>G on transcript NM_000548.5 (MANE Select); coding-DNA position 3841, T replaced by G.
Protein change: p.Ser1281Ala; replaces serine 1281 with alanine.
Molecular consequence: missense variant. On other transcripts: intron variant (6).
Genome position (GRCh38, 1-based): chr16:2,082,462, T>G. VCF-style: chr16-2082462-T-G. GRCh37 (hg19) VCF-style: chr16-2132463-T-G.
Other names: c.3109T>G, p.Ser1037Ala (NM_001318831.2); c.3709T>G, p.Ser1237Ala (NM_001370404.1); c.3712T>G, p.Ser1238Ala (NM_001370405.1, NM_021055.3); c.3814+664T>G (NM_001114382.3); c.3685+664T>G (NM_001363528.2); c.3682+664T>G (NM_001077183.3); c.3574+664T>G (NM_001318827.2); c.3538+664T>G (NM_001318829.2); and 1 more; short protein forms S1281A, S1037A, S1237A, S1238A.
Identifiers: ClinVar variation 583139 (VCV000583139.11), dbSNP rs1358527360, ClinGen allele CA394294933.